The following is an entry in ClinVar:

ClinVar aggregate classification (germline): Likely benign (1 of 4 stars; one submission).

Conditions:
FANCD2-related disorder. Also called: FANCD2-related condition.

Submission:

PreventionGenetics, part of Exact Sciences
Classification: Likely benign for FANCD2-related condition. Last evaluated: 2025-06-11. Review status: criteria provided, single submitter. Criteria: ACMG Guidelines, 2015. Collection method: clinical testing. Allele origin: germline.
Comment: This variant is classified as likely benign based on ACMG/AMP sequence variant interpretation guidelines (Richards et al. 2015 PMID: 25741868, with internal and published modifications).

NM_001018115.3(FANCD2):c.888+154G>A

Genes: FANCD2 (FA complementation group D2; plus strand), LOC107303338 (3p25 FANCD2 Alu-mediated recombination region; plus strand). Cytogenetic location: 3p25.3.
Variant type: single nucleotide variant.
Coding change: c.888+154G>A on transcript NM_001018115.3 (MANE Select); 154 bases into the intron after coding-DNA position 888, G replaced by A.
Molecular consequence: intron variant.
Genome position (GRCh38, 1-based): chr3:10,042,817, G>A. VCF-style: chr3-10042817-G-A. GRCh37 (hg19) VCF-style: chr3-10084501-G-A.
Other names: c.888+154G>A (NM_001319984.2, NM_001374253.1, NM_033084.6 and 1 more transcripts).
Identifiers: ClinVar variation 4999789 (VCV004999789.1).